The following is an entry in ClinVar:

ClinVar aggregate classification (germline): Uncertain significance. Review status: criteria provided, multiple submitters, no conflicts (2 of 4 stars). 2 submissions from 2 submitters: Uncertain significance (2). Last evaluated 2025-03-08.

Conditions:
Inborn genetic diseases. Identifiers: MedGen C0950123, MeSH D030342.
COG1 congenital disorder of glycosylation (CDG2G). Also called: CONGENITAL DISORDER OF GLYCOSYLATION, TYPE IIg; CDG IIg; CDGII/COG1 CEREBROCOSTOMANDIBULAR-LIKE SYNDROME. Identifiers: Orphanet 263508, MedGen C2931011, MONDO:0012637, OMIM 611209.

Allele frequency attached by ClinVar (database versions not stated): gnomAD 0.00001; gnomAD exomes 0.00002; TOPMed 0.00003.

Submissions (2):

Ambry Genetics
Classification: Uncertain significance for Inborn genetic diseases. Last evaluated: 2025-03-08. Review status: criteria provided, single submitter. Criteria: Ambry Variant Classification Scheme 2023. Collection method: clinical testing. Allele origin: germline.

Labcorp Genetics (formerly Invitae), Labcorp
Classification: Uncertain significance for COG1 congenital disorder of glycosylation. Last evaluated: 2022-03-01. Review status: criteria provided, single submitter. Criteria: Invitae Variant Classification Sherloc (09022015). Collection method: clinical testing. Allele origin: germline.
Comment: This sequence change replaces glutamic acid, which is acidic and polar, with lysine, which is basic and polar, at codon 29 of the COG1 protein (p.Glu29Lys). This variant is present in population databases (no rsID available, gnomAD 0.007%). This variant has not been reported in the literature in individuals affected with COG1-related conditions. ClinVar contains an entry for this variant (Variation ID: 538566). Algorithms developed to predict the effect of missense changes on protein structure and function are either unavailable or do not agree on the potential impact of this missense change (SIFT: "Deleterious"; PolyPhen-2: "Possibly Damaging"; Align-GVGD: "Class C0"). In summary, the available evidence is currently insufficient to determine the role of this variant in disease. Therefore, it has been classified as a Variant of Uncertain Significance.

NM_018714.3(COG1):c.85G>A (p.Glu29Lys)

Genes: COG1 (component of oligomeric golgi complex 1; plus strand), LOC130061576 (ATAC-STARR-seq lymphoblastoid active region 12690; plus strand). Cytogenetic location: 17q25.1.
Variant type: single nucleotide variant.
Coding change: c.85G>A on transcript NM_018714.3 (MANE Select); coding-DNA position 85, G replaced by A.
Protein change: p.Glu29Lys; replaces glutamic acid 29 with lysine.
Molecular consequence: missense variant.
Genome position (GRCh38, 1-based): chr17:73,193,154, G>A. VCF-style: chr17-73193154-G-A. GRCh37 (hg19) VCF-style: chr17-71189293-G-A.
Other names: short protein forms E29K.
Identifiers: ClinVar variation 538566 (VCV000538566.10), dbSNP rs1032371996, ClinGen allele CA293796925.
Genomic context (GRCh38, chr17:73,193,154, plus strand): 5'-GCGCTGAAGCGGCTGGATCTGCGCGACCCTGCGGCTCTTTTCGAGACGCATGGAGCGGAG[G>A]AGATCCGCGGGCTGGAGCGCCAGGTTCGGGCCGAGATCGAGCACAAGAAGGAGGAGCTGC-3'
Protein context (NP_061184.1, residues 19-39): AALFETHGAE[Glu29Lys]IRGLERQVRA